The following is an entry in ClinVar:

NM_001080414.4(CCDC88C):c.3408C>A (p.Tyr1136Ter)

Gene: CCDC88C (coiled-coil and HOOK domain protein 88C; minus strand). Cytogenetic location: 14q32.11.
Variant type: single nucleotide variant.
Coding change: c.3408C>A on transcript NM_001080414.4 (MANE Select); coding-DNA position 3408, C replaced by A.
Protein change: p.Tyr1136Ter; replaces tyrosine 1136 with a stop codon.
Molecular consequence: nonsense. On other transcripts: non-coding transcript variant (2).
Genome position (GRCh38, 1-based): chr14:91,303,928, G>T on the plus strand (C>A on the coding strand, the complement: CCDC88C is on the minus strand). VCF-style: chr14-91303928-G-T. GRCh37 (hg19) VCF-style: chr14-91770272-G-T.
Other names: short protein forms Y1136*.
Identifiers: ClinVar variation 5012969 (VCV005012969.1).

ClinVar aggregate classification (germline): Pathogenic (1 of 4 stars; one submission).

Conditions:
Hydrocephalus, nonsyndromic, autosomal recessive 1 (HYC1). Also called: Hydrocephalus, nonsyndromic, autosomal recessive; Congenital hydrocephalus 1. Identifiers: Orphanet 2185, MedGen C3887608, MONDO:0009360, OMIM 236600.

Submission:

Myriad Genetics, Inc.
Classification: Pathogenic for Hydrocephalus, nonsyndromic, autosomal recessive 1. Last evaluated: 2024-04-28. Review status: criteria provided, single submitter. Criteria: Myriad Autosomal Dominant, Autosomal Recessive and X-Linked Classification Criteria (2023). Collection method: clinical testing. Allele origin: unknown.
Comment: NM_001080414.3(CCDC88C):c.3408C>A(Y1136*) is expected to be pathogenic in the context of congenital hydrocephalus, CCDC88C-related. This variant is predicted to lead to an abnormal or absent protein product due to the creation of a premature termination codon in CCDC88C, a gene where loss-of-function variants are known to be pathogenic. Please note: this variant was assessed in the context of healthy population screening.